The following is an entry in ClinVar:

ClinVar aggregate classification (germline): Uncertain significance (1 of 4 stars; one submission).

Submission:

Labcorp Genetics (formerly Invitae), Labcorp
Classification: Uncertain significance. Last evaluated: 2021-04-27. Review status: criteria provided, single submitter. Criteria: Invitae Variant Classification Sherloc (09022015). Collection method: clinical testing. Allele origin: germline.
Comment: This sequence change creates a premature translational stop signal (p.Gln856Lysfs*22) in the CSF2RB gene. While this is not anticipated to result in nonsense mediated decay, it is expected to disrupt the last 42 amino acid(s) of the CSF2RB protein. This variant is not present in population databases (ExAC no frequency). This variant has not been reported in the literature in individuals with CSF2RB-related conditions. Experimental studies and prediction algorithms are not available or were not evaluated, and the functional significance of this variant is currently unknown. In summary, the available evidence is currently insufficient to determine the role of this variant in disease. Therefore, it has been classified as a Variant of Uncertain Significance.

NM_000395.3(CSF2RB):c.2566del (p.Gln856fs)

Gene: CSF2RB (colony stimulating factor 2 receptor subunit beta; plus strand). Cytogenetic location: 22q12.3.
Variant type: Deletion.
Coding change: c.2566del on transcript NM_000395.3 (MANE Select); coding-DNA position 2566, one base deleted (C; older notation c.2566delC).
Protein change: p.Gln856fs; shifts the reading frame from glutamine 856.
Molecular consequence: frameshift variant.
Genome position (GRCh38, 1-based): chr22:36,938,374, C deleted. VCF-style (leftmost placement, unchanged base first): chr22-36938373-TC-T. GRCh37 (hg19) VCF-style: chr22-37334415-TC-T.
Other names: short protein forms Q856fs.
Identifiers: ClinVar variation 1413625 (VCV001413625.6), dbSNP rs2145829334, ClinGen allele CA2573158127.